The following is an entry in ClinVar:

ClinVar aggregate classification (germline): Uncertain significance (1 of 4 stars; one submission).

Conditions:
Gorlin syndrome. Also called: Basal cell nevus syndrome; Nevoid Basal Cell Carcinoma Syndrome. Identifiers: Orphanet 377, MedGen C0004779, MONDO:0007187.

Submission:

Labcorp Genetics (formerly Invitae), Labcorp
Classification: Uncertain significance for Gorlin syndrome. Last evaluated: 2024-11-03. Review status: criteria provided, single submitter. Criteria: Invitae Variant Classification Sherloc (09022015). Collection method: clinical testing. Allele origin: germline.
Comment: This sequence change replaces asparagine, which is neutral and polar, with lysine, which is basic and polar, at codon 6 of the PTCH1 protein (p.Asn6Lys). This variant is not present in population databases (gnomAD no frequency). This variant has not been reported in the literature in individuals affected with PTCH1-related conditions. ClinVar contains an entry for this variant (Variation ID: 2863345). Invitae Evidence Modeling of protein sequence and biophysical properties (such as structural, functional, and spatial information, amino acid conservation, physicochemical variation, residue mobility, and thermodynamic stability) indicates that this missense variant is not expected to disrupt PTCH1 protein function with a negative predictive value of 95%. RNA analysis performed to evaluate the impact of this missense change on mRNA splicing indicates it does not significantly alter splicing (internal data). In summary, the available evidence is currently insufficient to determine the role of this variant in disease. Therefore, it has been classified as a Variant of Uncertain Significance.

NM_000264.5(PTCH1):c.18C>G (p.Asn6Lys)

Genes: PTCH1 (patched 1; minus strand), LOC130002133 (ATAC-STARR-seq lymphoblastoid silent region 20071; plus strand). Cytogenetic location: 9q22.32.
Variant type: single nucleotide variant.
Coding change: c.18C>G on transcript NM_000264.5 (MANE Select); coding-DNA position 18, C replaced by G.
Protein change: p.Asn6Lys; replaces asparagine 6 with lysine.
Molecular consequence: missense variant. On other transcripts: non-coding transcript variant (1), intron variant (3).
Genome position (GRCh38, 1-based): chr9:95,508,344, G>C on the plus strand (C>G on the coding strand, the complement: PTCH1 is on the minus strand). VCF-style: chr9-95508344-G-C. GRCh37 (hg19) VCF-style: chr9-98270626-G-C.
Other names: c.18C>G, p.Asn6Lys (NM_001354918.2); c.199-1745C>G (NM_001083603.3); c.4-1745C>G (NM_001083602.3, NM_001354919.2); short protein forms N6K.
Identifiers: ClinVar variation 2863345 (VCV002863345.3), dbSNP rs878853848, ClinGen allele CA374121721.